The following is an entry in ClinVar:

ClinVar aggregate classification (germline): Uncertain significance (1 of 4 stars; one submission).

Conditions:
PLXNA2-related disorder. Also called: PLXNA2-related condition.

gnomAD v4.1: 2 of 1,614,116 alleles (0.00012%); highest among the groups gnomAD compares: Non-Finnish European, 0.00017%; no homozygotes.

Submission:

PreventionGenetics, part of Exact Sciences
Classification: Uncertain significance for PLXNA2-related condition. Last evaluated: 2024-12-05. Review status: criteria provided, single submitter. Criteria: ACMG Guidelines, 2015. Collection method: clinical testing. Allele origin: germline.
Comment: The PLXNA2 c.2887C>T variant is predicted to result in premature protein termination (p.Arg963*). To our knowledge, this variant has not been reported in the literature. This variant is reported in 0.0062% of alleles in individuals of African descent in gnomAD. At this time, the clinical significance of this variant is uncertain due to the absence of conclusive functional and genetic evidence.

NM_025179.4(PLXNA2):c.2887C>T (p.Arg963Ter)

Gene: PLXNA2 (plexin A2; minus strand). Cytogenetic location: 1q32.2.
Variant type: single nucleotide variant.
Coding change: c.2887C>T on transcript NM_025179.4 (MANE Select); coding-DNA position 2887, C replaced by T.
Protein change: p.Arg963Ter; replaces arginine 963 with a stop codon.
Molecular consequence: nonsense.
Genome position (GRCh38, 1-based): chr1:208,052,433, G>A on the plus strand (C>T on the coding strand, the complement: PLXNA2 is on the minus strand). VCF-style: chr1-208052433-G-A. GRCh37 (hg19) VCF-style: chr1-208225778-G-A.
Other names: short protein forms R963*.
Identifiers: ClinVar variation 4999235 (VCV004999235.1).